The following is an entry in ClinVar:

ClinVar aggregate classification (germline): Uncertain significance (1 of 4 stars; one submission).

Conditions:
Neurodevelopmental disorder. Identifiers: MedGen C1535926, MeSH D065886, MONDO:0700092.

Submission:

Institute of Human Genetics, University of Leipzig Medical Center
Classification: Uncertain significance for Neurodevelopmental disorder. Last evaluated: 2024-02-12. Review status: criteria provided, single submitter. Criteria: ACMG Guidelines, 2015. Collection method: clinical testing. Allele origin: unknown. Affected: yes.
Comment: Criteria applied: PS3_MOD, PM1_SUP

Literature cited by the submitters: DOI 10.1007/s00439-024-02655-4.

NM_001363540.2(DOCK4):c.5913G>T (p.Lys1971Asn)

Gene: DOCK4 (dedicator of cytokinesis 4; minus strand). Cytogenetic location: 7q31.1.
Variant type: single nucleotide variant.
Coding change: c.5913G>T on transcript NM_001363540.2 (MANE Select); coding-DNA position 5913, G replaced by T.
Protein change: p.Lys1971Asn; replaces lysine 1971 with asparagine.
Molecular consequence: missense variant.
Genome position (GRCh38, 1-based): chr7:111,728,289, C>A on the plus strand (G>T on the coding strand, the complement: DOCK4 is on the minus strand). VCF-style: chr7-111728289-C-A. GRCh37 (hg19) VCF-style: chr7-111368345-C-A.
Other names: c.5886G>T, p.Lys1962Asn (NM_014705.4); short protein forms K1962N, K1971N.
Identifiers: ClinVar variation 2627579 (VCV002627579.2), dbSNP rs1243762203, ClinGen allele CA368949161.